The following is an entry in ClinVar:

ClinVar aggregate classification (germline): Uncertain significance. Review status: criteria provided, multiple submitters, no conflicts (2 of 4 stars). 3 submissions from 3 submitters: Uncertain significance (3). Last evaluated 2023-11-07.

Conditions:
Inborn genetic diseases. Identifiers: MedGen C0950123, MeSH D030342.

Allele frequency attached by ClinVar (database versions not stated): gnomAD exomes below 0.00001; ExAC 0.00001; gnomAD 0.00003 and 0.00004; TOPMed 0.00004.
gnomAD v4.1: 7 of 1,613,738 alleles (0.00043%); highest among the groups gnomAD compares: African/African-American, 0.008%; no homozygotes.

Submissions (3):

Women's Health and Genetics/Laboratory Corporation of America, LabCorp
Classification: Uncertain significance. Last evaluated: 2023-11-07. Review status: criteria provided, single submitter. Criteria: LabCorp Variant Classification Summary - May 2015. Collection method: clinical testing. Allele origin: germline.
Comment: Variant summary: DMXL2 c.1682A>G (p.Asn561Ser) results in a conservative amino acid change located in the WD40 repeat containing domain (IPR036322) of the encoded protein sequence. Three of five in-silico tools predict a benign effect of the variant on protein function. The variant was absent in 250478 control chromosomes (gnomAD). The available data on variant occurrences in the general population are insufficient to allow any conclusion about variant significance. To our knowledge, no occurrence of c.1682A>G in individuals affected with DMXL2-Related Disorders and no experimental evidence demonstrating its impact on protein function have been reported. Two submitters have cited clinical-significance assessments for this variant to ClinVar after 2014. All submitters classified the variant as uncertain significance. Based on the evidence outlined above, the variant was classified as uncertain significance.

Ambry Genetics
Classification: Uncertain significance for Inborn genetic diseases. Last evaluated: 2022-11-01. Review status: criteria provided, single submitter. Criteria: Ambry Variant Classification Scheme 2023. Collection method: clinical testing. Allele origin: germline.

Labcorp Genetics (formerly Invitae), Labcorp
Classification: Uncertain significance. Last evaluated: 2021-11-25. Review status: criteria provided, single submitter. Criteria: Invitae Variant Classification Sherloc (09022015). Collection method: clinical testing. Allele origin: germline.
Comment: This sequence change replaces asparagine, which is neutral and polar, with serine, which is neutral and polar, at codon 561 of the DMXL2 protein (p.Asn561Ser). The frequency data for this variant in the population databases is considered unreliable, as metrics indicate poor data quality at this position in the gnomAD database. This variant has not been reported in the literature in individuals affected with DMXL2-related conditions. Algorithms developed to predict the effect of missense changes on protein structure and function are either unavailable or do not agree on the potential impact of this missense change (SIFT: "Tolerated"; PolyPhen-2: "Probably Damaging"; Align-GVGD: "Class C0"). In summary, the available evidence is currently insufficient to determine the role of this variant in disease. Therefore, it has been classified as a Variant of Uncertain Significance.

NM_001378457.1(DMXL2):c.1682A>G (p.Asn561Ser)

Gene: DMXL2 (Dmx like 2; minus strand). Cytogenetic location: 15q21.2.
Variant type: single nucleotide variant.
Coding change: c.1682A>G on transcript NM_001378457.1 (MANE Select); coding-DNA position 1682, A replaced by G.
Protein change: p.Asn561Ser; replaces asparagine 561 with serine.
Molecular consequence: missense variant. On other transcripts: non-coding transcript variant (2).
Genome position (GRCh38, 1-based): chr15:51,536,798, T>C on the plus strand (A>G on the coding strand, the complement: DMXL2 is on the minus strand). VCF-style: chr15-51536798-T-C. GRCh37 (hg19) VCF-style: chr15-51828995-T-C.
Other names: c.1682A>G, p.Asn561Ser (NM_001174116.3, NM_001174117.3, NM_001378458.1 and 6 more transcripts); c.1442A>G, p.Asn481Ser (NM_001378464.1); c.1682A>G (NM_001174116.1); short protein forms N481S, N561S.
Identifiers: ClinVar variation 1405686 (VCV001405686.5), dbSNP rs750656460, ClinGen allele CA7562526.
Genomic context (GRCh38, chr15:51,536,798, plus strand): 5'-TGGTGTAACAGCGTGTGGTGAGAATCTTTTGTCGCATTTATACAGGCATACATCATGATA[T>C]TTTTACTAAGAGAGCTTGCATCACCAGAGGGAAATGCAACAGGAATCCGAGAAGAAAAAG-3'
Protein context (NP_001365386.1, residues 551-571): PSGDASSLSK[Asn561Ser]IMMYACINAT